The following is an entry in ClinVar:

NM_000038.6(APC):c.4796C>G (p.Ser1599Ter)

Gene: APC (APC regulator of Wnt signaling pathway; plus strand). Cytogenetic location: 5q22.2.
Variant type: single nucleotide variant.
Coding change: c.4796C>G on transcript NM_000038.6 (MANE Select); coding-DNA position 4796, C replaced by G.
Protein change: p.Ser1599Ter; replaces serine 1599 with a stop codon.
Molecular consequence: nonsense.
Genome position (GRCh38, 1-based): chr5:112,840,390, C>G. VCF-style: chr5-112840390-C-G. GRCh37 (hg19) VCF-style: chr5-112176087-C-G.
Other names: c.4796C>G, p.Ser1599Ter (NM_001127510.3, NM_001354895.2); c.4742C>G, p.Ser1581Ter (NM_001127511.3); c.4850C>G, p.Ser1617Ter (NM_001354896.2); c.4826C>G, p.Ser1609Ter (NM_001354897.2); c.4721C>G, p.Ser1574Ter (NM_001354898.2); c.4712C>G, p.Ser1571Ter (NM_001354899.2); c.4673C>G, p.Ser1558Ter (NM_001354900.2); c.4619C>G, p.Ser1540Ter (NM_001354901.2); and 5 more; short protein forms S1581*, S1599*, S1508*, S1571*, S1617*, S1473*, S1558*, S1609*.
Identifiers: ClinVar variation 469977 (VCV000469977.48), dbSNP rs1554086212, ClinGen allele CA16031843.

ClinVar aggregate classification (germline): Pathogenic. Review status: criteria provided, multiple submitters, no conflicts (2 of 4 stars). 2 submissions from 2 submitters: Pathogenic (2). Last evaluated 2019-08-01.

Conditions:
Familial adenomatous polyposis 1 (FAP1). Also called: FAMILIAL ADENOMATOUS POLYPOSIS 1, ATTENUATED; POLYPOSIS, ADENOMATOUS INTESTINAL. Identifiers: MedGen C2713442, MONDO:0021056, OMIM 175100. Disease mechanism: loss of function.

Submissions (2):

CeGaT Center for Human Genetics Tuebingen
Classification: Pathogenic. Last evaluated: 2019-08-01. Review status: criteria provided, single submitter. Criteria: CeGaT Center For Human Genetics Tuebingen Variant Classification Criteria Version 2. Collection method: clinical testing. Allele origin: germline. Affected: yes. Observed: 5 variant alleles.

Labcorp Genetics (formerly Invitae), Labcorp
Classification: Pathogenic for Familial adenomatous polyposis 1. Last evaluated: 2017-02-15. Review status: criteria provided, single submitter. Criteria: Invitae Variant Classification Sherloc (09022015). Collection method: clinical testing. Allele origin: germline.
Comment: This sequence change results in a premature translational stop signal in the last exon of the APC mRNA at codon 1599 (p.Ser1599*). While this is not anticipated to result in nonsense mediated decay, it is expected to create a truncated APC protein by eliminating 1245 amino acid residues (~44%) from the full length protein. For these reasons, this variant has been classified as Pathogenic. While this particular variant has not been reported in the literature, loss-of-function variants in APC are known to be pathogenic (PMID: 20685668, 17963004).

Literature cited by the submitters: PubMed 20685668 (cited by Labcorp Genetics (formerly Invitae), Labcorp); PubMed 17963004 (cited by Labcorp Genetics (formerly Invitae), Labcorp).